The following is an entry in ClinVar:

NM_001278064.2(GRM1):c.2977T>C (p.Ser993Pro)

Gene: GRM1 (glutamate metabotropic receptor 1; plus strand). Cytogenetic location: 6q24.3.
Variant type: single nucleotide variant.
Coding change: c.2977T>C on transcript NM_001278064.2 (MANE Select); coding-DNA position 2977, T replaced by C.
Protein change: p.Ser993Pro; replaces serine 993 with proline.
Molecular consequence: missense variant. On other transcripts: 3 prime UTR variant (3).
Genome position (GRCh38, 1-based): chr6:146,434,188, T>C. VCF-style: chr6-146434188-T-C. GRCh37 (hg19) VCF-style: chr6-146755324-T-C.
Other names: c.*341T>C (NM_001278065.2); c.*306T>C (NM_001278066.1); c.*215T>C (NM_001278067.1); short protein forms S993P.
Identifiers: ClinVar variation 129210 (VCV000129210.19), dbSNP rs6923492, ClinGen allele CA153056.

ClinVar aggregate classification (germline): Benign. Review status: criteria provided, multiple submitters, no conflicts (2 of 4 stars). 11 submissions from 10 submitters: Benign (8). 3 of the submissions do not count toward it. Last evaluated 2026-02-03.

Conditions:
Spinocerebellar ataxia 44. Identifiers: Orphanet 631095, MedGen C4521563, MONDO:0033479, OMIM 617691.
Autosomal recessive spinocerebellar ataxia 13. Identifiers: Orphanet 324262, MedGen C3553816, MONDO:0013905, OMIM 614831.

Allele frequency attached by ClinVar (database versions not stated): gnomAD exomes 0.52068 and 0.52592; ExAC 0.53114; gnomAD 0.56886 and 0.56892; TOPMed 0.57325; ESP Exome Variant Server 0.59280; 1000 Genomes Project 0.60403; 1000 Genomes Project 30x 0.60415.
gnomAD v4.1: 855,473 of 1,612,248 alleles (53%); highest among the groups gnomAD compares: African/African-American, 71%; 229,896 homozygotes.

Submissions (11):

Labcorp Genetics (formerly Invitae), Labcorp
Classification: Benign. Last evaluated: 2026-02-03. Review status: criteria provided, single submitter. Criteria: Invitae Variant Classification Sherloc (09022015). Collection method: clinical testing. Allele origin: germline.

Blueprint Genetics
Classification: Benign. Last evaluated: 2024-11-27. Review status: criteria provided, single submitter. Criteria: ACMG Guidelines, 2015. Collection method: clinical testing. Allele origin: germline.

Mayo Clinic Laboratories, Mayo Clinic
Classification: Benign. Last evaluated: 2023-01-04. Review status: criteria provided, single submitter. Criteria: ACMG Guidelines, 2015. Collection method: clinical testing. Allele origin: germline. Observed: 375 variant alleles.
Comment: BA1, BP4

Genome-Nilou Lab
Classification: Benign for Spinocerebellar ataxia 44. Last evaluated: 2021-08-10. Review status: criteria provided, single submitter. Criteria: ACMG Guidelines, 2015. Collection method: clinical testing. Allele origin: germline. Affected: no.

Genome-Nilou Lab
Classification: Benign for Autosomal recessive spinocerebellar ataxia 13. Last evaluated: 2021-08-10. Review status: criteria provided, single submitter. Criteria: ACMG Guidelines, 2015. Collection method: clinical testing. Allele origin: germline. Affected: no.

GeneDx
Classification: Benign. Last evaluated: 2019-09-25. Review status: criteria provided, single submitter. Criteria: GeneDx Variant Classification Process June 2021. Collection method: clinical testing. Allele origin: germline. Affected: yes.
Comment: This variant is associated with the following publications: (PMID: 25062106, 24442360)

Athena Diagnostics
Classification: Benign. Last evaluated: 2019-07-15. Review status: criteria provided, single submitter. Criteria: Athena Diagnostics Criteria. Collection method: clinical testing. Allele origin: germline.

Mendelics
Classification: Benign for Autosomal recessive spinocerebellar ataxia 13. Last evaluated: 2019-05-28. Review status: criteria provided, single submitter. Criteria: Mendelics Assertion Criteria 2017. Collection method: clinical testing. Allele origin: unknown.

Clinical Genetics DNA and cytogenetics Diagnostics Lab, Erasmus MC, Erasmus Medical Center
Classification: Benign. Review status: no assertion criteria provided. Collection method: clinical testing. Allele origin: germline. Affected: yes. Study: VKGL Data-share Consensus. Not counted in ClinVar's aggregate classification.

Diagnostic Laboratory, Department of Genetics, University Medical Center Groningen
Classification: Benign for Autosomal recessive spinocerebellar ataxia 13. Review status: no assertion criteria provided. Collection method: clinical testing. Allele origin: germline. Affected: yes. Study: VKGL Data-share Consensus. Not counted in ClinVar's aggregate classification.

Genetic Services Laboratory, University of Chicago
Classification: Likely benign for AllHighlyPenetrant. Review status: no assertion criteria provided. Collection method: clinical testing. Allele origin: germline. Inheritance: Autosomal recessive inheritance. Not counted in ClinVar's aggregate classification.
Comment: Likely benign based on allele frequency in 1000 Genomes Project or ESP global frequency and its presence in a patient with a rare or unrelated disease phenotype. NOT Sanger confirmed.